The following is an entry in ClinVar:

NM_001128148.3(TFRC):c.80G>A (p.Arg27Gln)

Gene: TFRC (transferrin receptor; minus strand). Cytogenetic location: 3q29.
Variant type: single nucleotide variant.
Coding change: c.80G>A on transcript NM_001128148.3 (MANE Select); coding-DNA position 80, G replaced by A.
Protein change: p.Arg27Gln; replaces arginine 27 with glutamine.
Molecular consequence: missense variant. On other transcripts: intron variant (2).
Genome position (GRCh38, 1-based): chr3:196,075,317, C>T on the plus strand (G>A on the coding strand, the complement: TFRC is on the minus strand). VCF-style: chr3-196075317-C-T. GRCh37 (hg19) VCF-style: chr3-195802188-C-T.
Other names: c.80G>A, p.Arg27Gln (NM_003234.4); c.-413+1747G>A (NM_001313966.2); c.-5-1192G>A (NM_001313965.2); short protein forms R27Q.
Identifiers: ClinVar variation 3609748 (VCV003609748.2).

ClinVar aggregate classification (germline): Uncertain significance (1 of 4 stars; one submission).

Submission:

Labcorp Genetics (formerly Invitae), Labcorp
Classification: Uncertain significance. Last evaluated: 2025-09-16. Review status: criteria provided, single submitter. Criteria: Invitae Variant Classification Sherloc (09022015). Collection method: clinical testing. Allele origin: germline.
Comment: This sequence change replaces arginine, which is basic and polar, with glutamine, which is neutral and polar, at codon 27 of the TFRC protein (p.Arg27Gln). This variant is not present in population databases (gnomAD no frequency). This variant has not been reported in the literature in individuals affected with TFRC-related conditions. ClinVar contains an entry for this variant (Variation ID: 3609748). An algorithm developed to predict the effect of missense changes on protein structure and function (PolyPhen-2) suggests that this variant is likely to be tolerated. In summary, the available evidence is currently insufficient to determine the role of this variant in disease. Therefore, it has been classified as a Variant of Uncertain Significance.